The following is an entry in ClinVar:

ClinVar aggregate classification (germline): Likely benign. Review status: criteria provided, single submitter (1 of 4 stars). 2 submissions from 2 submitters: Likely benign (1). 1 of the submissions does not count toward it. Last evaluated 2025-03-18.

Conditions:
GSR-related disorder. Also called: GSR-related condition.

Submissions (2):

Mayo Clinic Laboratories, Mayo Clinic
Classification: Likely benign. Last evaluated: 2025-03-18. Review status: criteria provided, single submitter. Criteria: ACMG Guidelines, 2015. Collection method: clinical testing. Allele origin: germline. Observed: 42 variant alleles.

PreventionGenetics, part of Exact Sciences
Classification: Benign for GSR-related condition. Last evaluated: 2021-03-08. Review status: no assertion criteria provided. Collection method: clinical testing. Allele origin: germline. Not counted in ClinVar's aggregate classification.
Comment: This variant is classified as benign based on ACMG/AMP sequence variant interpretation guidelines (Richards et al. 2015 PMID: 25741868, with internal and published modifications).

NM_000637.5(GSR):c.334-5dup

Gene: GSR (glutathione-disulfide reductase; minus strand). Cytogenetic location: 8p12.
Variant type: Duplication.
Coding change: c.334-5dup on transcript NM_000637.5 (MANE Select); 5 bases into the intron before coding-DNA position 334, one base duplicated (T; older notation c.334-5dupT).
Molecular consequence: intron variant.
Genome position (GRCh38, 1-based): chr8:30,709,907, A duplicated on the plus strand (T on the coding strand, the reverse complement: GSR is on the minus strand); the first of 18 consecutive A bases (chr8:30,709,907-30,709,924); duplicating any one gives the same sequence. VCF-style (leftmost placement, unchanged base first): chr8-30709906-T-TA. GRCh37 (hg19) VCF-style: chr8-30567423-T-TA.
Other names: p.?; c.334-5dup (NM_001195104.3, NM_001195102.3, NM_001195103.3).
Identifiers: ClinVar variation 3060464 (VCV003060464.3), dbSNP rs74518074, ClinGen allele CA4701548.
Genomic context (GRCh38, chr8:30,709,906, plus strand): 5'-GCCATAATCAGCATGATCATGCATGAATTCAGAGTGGACAGCTGTGTTCCACATTACCTG[T>TA]AAAAAAAAAAAAAAAAAAGGATCCAAAACAGCAGTAAATCAGTCCTGAGGGAAAAAAGGA-3'